The following is an entry in ClinVar:

ClinVar aggregate classification (germline): Uncertain significance (1 of 4 stars; one submission).

Conditions:
Hereditary cancer-predisposing syndrome. Also called: Neoplastic Syndromes, Hereditary; Tumor predisposition; Hereditary neoplastic syndrome; Hereditary Cancer Syndrome. Identifiers: Orphanet 140162, MedGen C0027672, MeSH D009386, MONDO:0015356.

Submission:

Ambry Genetics
Classification: Uncertain significance for Hereditary cancer-predisposing syndrome. Last evaluated: 2024-06-15. Review status: criteria provided, single submitter. Criteria: Ambry Variant Classification Scheme 2023. Collection method: clinical testing. Allele origin: germline.
Comment: The p.I627N variant (also known as c.1880T>A), located in coding exon 11 of the SMARCA4 gene, results from a T to A substitution at nucleotide position 1880. The isoleucine at codon 627 is replaced by asparagine, an amino acid with dissimilar properties. This amino acid position is conserved. In addition, the in silico prediction for this alteration is inconclusive. Based on the available evidence, the clinical significance of this variant remains unclear.

NM_003072.5(SMARCA4):c.1880T>A (p.Ile627Asn)

Gene: SMARCA4 (SWI/SNF related BAF chromatin remodeling complex subunit ATPase 4; plus strand). Cytogenetic location: 19p13.2.
Variant type: single nucleotide variant.
Coding change: c.1880T>A on transcript NM_003072.5 (MANE Select); coding-DNA position 1880, T replaced by A.
Protein change: p.Ile627Asn; replaces isoleucine 627 with asparagine.
Molecular consequence: missense variant. On other transcripts: non-coding transcript variant (1).
Genome position (GRCh38, 1-based): chr19:11,003,096, T>A. VCF-style: chr19-11003096-T-A. GRCh37 (hg19) VCF-style: chr19-11113772-T-A.
Other names: c.1880T>A, p.Ile627Asn (NM_001411150.1, NM_001128844.3, NM_001128845.2 and 6 more transcripts); short protein forms I627N.
Identifiers: ClinVar variation 3320773 (VCV003320773.1).